The following is an entry in ClinVar:

NM_017775.4(TTC19):c.226G>C (p.Glu76Gln)

Genes: TTC19 (tetratricopeptide repeat domain 19; plus strand), LOC130060311 (ATAC-STARR-seq lymphoblastoid silent region 8214; plus strand). Cytogenetic location: 17p12.
Variant type: single nucleotide variant.
Coding change: c.226G>C on transcript NM_017775.4 (MANE Select); coding-DNA position 226, G replaced by C.
Protein change: p.Glu76Gln; replaces glutamic acid 76 with glutamine.
Molecular consequence: missense variant. On other transcripts: 5 prime UTR variant (1).
Genome position (GRCh38, 1-based): chr17:16,000,159, G>C. VCF-style: chr17-16000159-G-C. GRCh37 (hg19) VCF-style: chr17-15903473-G-C.
Other names: c.-233G>C (NM_001271420.2); short protein forms E76Q.
Identifiers: ClinVar variation 2039196 (VCV002039196.4), dbSNP rs1156590212, ClinGen allele CA398383076.

ClinVar aggregate classification (germline): Uncertain significance (1 of 4 stars; one submission).

Allele frequency attached by ClinVar (database versions not stated): gnomAD exomes below 0.00001; gnomAD 0.00001.
gnomAD v4.1: 7 of 1,588,418 alleles (0.00044%); highest among the groups gnomAD compares: African/African-American, 0.0054%; no homozygotes.

Submission:

Labcorp Genetics (formerly Invitae), Labcorp
Classification: Uncertain significance. Last evaluated: 2023-11-27. Review status: criteria provided, single submitter. Criteria: Invitae Variant Classification Sherloc (09022015). Collection method: clinical testing. Allele origin: germline.
Comment: This sequence change replaces glutamic acid, which is acidic and polar, with glutamine, which is neutral and polar, at codon 76 of the TTC19 protein (p.Glu76Gln). This variant is present in population databases (no rsID available, gnomAD 0.01%). This variant has not been reported in the literature in individuals affected with TTC19-related conditions. ClinVar contains an entry for this variant (Variation ID: 2039196). Algorithms developed to predict the effect of missense changes on protein structure and function output the following: SIFT: "Not Available"; PolyPhen-2: "Benign"; Align-GVGD: "Not Available". The glutamine amino acid residue is found in multiple mammalian species, which suggests that this missense change does not adversely affect protein function. In summary, the available evidence is currently insufficient to determine the role of this variant in disease. Therefore, it has been classified as a Variant of Uncertain Significance.